The following is an entry in ClinVar:

ClinVar aggregate classification (germline): Uncertain significance (1 of 4 stars; one submission).

Conditions:
Long QT syndrome (LQTS). Identifiers: MedGen C0023976, MeSH D008133, MONDO:0002442. Disease mechanism: loss of function. Inheritance: Various modes of inheritance.

Submission:

Labcorp Genetics (formerly Invitae), Labcorp
Classification: Uncertain significance for Long QT syndrome. Last evaluated: 2022-04-15. Review status: criteria provided, single submitter. Criteria: Invitae Variant Classification Sherloc (09022015). Collection method: clinical testing. Allele origin: germline.
Comment: In summary, the available evidence is currently insufficient to determine the role of this variant in disease. Therefore, it has been classified as a Variant of Uncertain Significance. Algorithms developed to predict the effect of missense changes on protein structure and function are either unavailable or do not agree on the potential impact of this missense change (SIFT: "Tolerated"; PolyPhen-2: "Probably Damaging"; Align-GVGD: "Class C0"). This variant has not been reported in the literature in individuals affected with CACNA1C-related conditions. This variant is not present in population databases (gnomAD no frequency). This sequence change replaces glutamine, which is neutral and polar, with glutamic acid, which is acidic and polar, at codon 1404 of the CACNA1C protein (p.Gln1404Glu).

NM_000719.7(CACNA1C):c.4210C>G (p.Gln1404Glu)

Gene: CACNA1C (calcium voltage-gated channel subunit alpha1 C; plus strand). Cytogenetic location: 12p13.33.
Variant type: single nucleotide variant.
Coding change: c.4210C>G on transcript NM_000719.7 (MANE Select); coding-DNA position 4210, C replaced by G.
Protein change: p.Gln1404Glu; replaces glutamine 1404 with glutamic acid.
Molecular consequence: missense variant.
Genome position (GRCh38, 1-based): chr12:2,655,216, C>G. VCF-style: chr12-2655216-C-G. GRCh37 (hg19) VCF-style: chr12-2764382-C-G.
Other names: c.4354C>G, p.Gln1452Glu (NM_001129827.2, NM_199460.4); c.4276C>G, p.Gln1426Glu (NM_001129829.2); c.4210C>G, p.Gln1404Glu (NM_001129830.3, NM_001129833.2, NM_001129834.2 and 7 more transcripts); c.4294C>G, p.Gln1432Glu (NM_001129831.2); c.4270C>G, p.Gln1424Glu (NM_001129832.2); c.4261C>G, p.Gln1421Glu (NM_001129836.2); c.4177C>G, p.Gln1393Glu (NM_001129837.2, NM_001129838.2, NM_001129846.2 and 1 more transcripts); c.4171C>G, p.Gln1391Glu (NM_001129839.2); and 1 more; short protein forms Q1452E, Q1393E, Q1404E, Q1424E, Q1432E, Q1421E, Q1426E, Q1391E.
Identifiers: ClinVar variation 1965180 (VCV001965180.5), dbSNP rs2528220373, ClinGen allele CA383374623.